The following is an entry in ClinVar:

NM_005515.4(MNX1):c.485C>T (p.Pro162Leu)

Genes: MNX1 (motor neuron and pancreas homeobox 1; minus strand), LOC129999735 (ATAC-STARR-seq lymphoblastoid silent region 18857; plus strand). Cytogenetic location: 7q36.3.
Variant type: single nucleotide variant.
Coding change: c.485C>T on transcript NM_005515.4 (MANE Select); coding-DNA position 485, C replaced by T.
Protein change: p.Pro162Leu; replaces proline 162 with leucine.
Molecular consequence: missense variant.
Genome position (GRCh38, 1-based): chr7:157,009,866, G>A on the plus strand (C>T on the coding strand, the complement: MNX1 is on the minus strand). VCF-style: chr7-157009866-G-A. GRCh37 (hg19) VCF-style: chr7-156802560-G-A.
Other names: short protein forms P162L.
Identifiers: ClinVar variation 2135561 (VCV002135561.4), dbSNP rs1396517665, ClinGen allele CA370164454.

ClinVar aggregate classification (germline): Uncertain significance (1 of 4 stars; one submission).

gnomAD v4.1: 3 of 1,480,300 alleles (0.0002%); highest among the groups gnomAD compares: South Asian, 0.0026%; no homozygotes.

Submission:

Labcorp Genetics (formerly Invitae), Labcorp
Classification: Uncertain significance. Last evaluated: 2022-10-10. Review status: criteria provided, single submitter. Criteria: Invitae Variant Classification Sherloc (09022015). Collection method: clinical testing. Allele origin: germline.
Comment: In summary, the available evidence is currently insufficient to determine the role of this variant in disease. Therefore, it has been classified as a Variant of Uncertain Significance. Advanced modeling of protein sequence and biophysical properties (such as structural, functional, and spatial information, amino acid conservation, physicochemical variation, residue mobility, and thermodynamic stability) has been performed at Invitae for this missense variant, however the output from this modeling did not meet the statistical confidence thresholds required to predict the impact of this variant on MNX1 protein function. This variant has not been reported in the literature in individuals affected with MNX1-related conditions. The frequency data for this variant in the population databases is considered unreliable, as metrics indicate poor data quality at this position in the gnomAD database. This sequence change replaces proline, which is neutral and non-polar, with leucine, which is neutral and non-polar, at codon 162 of the MNX1 protein (p.Pro162Leu).